The following is an entry in ClinVar:

ClinVar aggregate classification (germline): Likely benign. Review status: criteria provided, multiple submitters, no conflicts (2 of 4 stars). 2 submissions from 2 submitters: Likely benign (2). Last evaluated 2021-01-29.

Submissions (2):

Blueprint Genetics
Classification: Likely benign. Last evaluated: 2021-01-29. Review status: criteria provided, single submitter. Criteria: ACMG Guidelines, 2015. Collection method: clinical testing. Allele origin: germline.

GeneDx
Classification: Likely benign. Last evaluated: 2018-01-09. Review status: criteria provided, single submitter. Criteria: GeneDx Variant Classification (06012015). Collection method: clinical testing. Allele origin: germline. Affected: yes.
Comment: This variant is considered likely benign or benign based on one or more of the following criteria: it is a conservative change, it occurs at a poorly conserved position in the protein, it is predicted to be benign by multiple in silico algorithms, and/or has population frequency not consistent with disease.

NM_018341.3(ERMARD):c.1395-11_1395-10del

Gene: ERMARD (ER membrane associated RNA degradation; plus strand). Cytogenetic location: 6q27.
Variant type: Deletion.
Coding change: c.1395-11_1395-10del on transcript NM_018341.3 (MANE Select); 11 bases into the intron before coding-DNA position 1395 through 10 bases into the intron before coding-DNA position 1395, 2 bases deleted (CT; older notation c.1395-11_1395-10delCT).
Molecular consequence: intron variant.
Genome position (GRCh38, 1-based): chr6:169,775,929-169,775,930, CT deleted; deleting any 2 consecutive bases within chr6:169,775,928-169,775,930 gives the same sequence; the c. name uses the placement nearest the transcript's 3' end. VCF-style (leftmost placement, unchanged base first): chr6-169775927-TTC-T. GRCh37 (hg19) VCF-style: chr6-170176023-TTC-T.
Other names: c.1395-11_1395-10delCT (NM_018341.2); c.1395-11_1395-10del (NM_001278531.2, NM_001278533.2); c.1017-11_1017-10del (NM_001278532.2).
Identifiers: ClinVar variation 514484 (VCV000514484.2), dbSNP rs538021384, ClinGen allele CA4106261.